The following is an entry in ClinVar:

NM_000245.4(MET):c.4064C>T (p.Thr1355Ile)

Gene: MET (MET proto-oncogene, receptor tyrosine kinase; plus strand). Cytogenetic location: 7q31.2.
Variant type: single nucleotide variant.
Coding change: c.4064C>T on transcript NM_000245.4 (MANE Select); coding-DNA position 4064, C replaced by T.
Protein change: p.Thr1355Ile; replaces threonine 1355 with isoleucine.
Molecular consequence: missense variant.
Genome position (GRCh38, 1-based): chr7:116,796,015, C>T. VCF-style: chr7-116796015-C-T. GRCh37 (hg19) VCF-style: chr7-116436069-C-T.
Other names: c.4118C>T, p.Thr1373Ile (NM_001127500.3); c.2774C>T, p.Thr925Ile (NM_001324402.2); short protein forms T925I, T1355I, T1373I.
Identifiers: ClinVar variation 1737968 (VCV001737968.6), dbSNP rs2117112371, ClinGen allele CA369118321.
Genomic context (GRCh38, chr7:116,796,015, plus strand): 5'-CCCGGATATCAGCGATCTTCTCTACTTTCATTGGGGAGCACTATGTCCATGTGAACGCTA[C>T]TTATGTGAACGTAAAATGTGTCGCTCCGTATCCTTCTCTGTTGTCATCAGAAGATAACGC-3'
Protein context (NP_000236.2, residues 1345-1365): IGEHYVHVNA[Thr1355Ile]YVNVKCVAPY

ClinVar aggregate classification (germline): Uncertain significance. Review status: criteria provided, multiple submitters, no conflicts (2 of 4 stars). 2 submissions from 2 submitters: Uncertain significance (2). Last evaluated 2025-07-07.

Conditions:
Hereditary cancer-predisposing syndrome. Also called: Neoplastic Syndromes, Hereditary; Tumor predisposition; Hereditary Cancer Syndrome; Hereditary neoplastic syndrome. Identifiers: Orphanet 140162, MedGen C0027672, MeSH D009386, MONDO:0015356.
Renal cell carcinoma. Identifiers: Orphanet 217071, MedGen C0007134, MeSH D002292, MONDO:0005086, HP:0005584.

Allele frequency attached by ClinVar (database versions not stated): gnomAD exomes below 0.00001.
gnomAD v4.1: 1 of 1,614,000 alleles (0.000062%); highest among the groups gnomAD compares: Non-Finnish European, 0.000085%; no homozygotes.

Submissions (2):

Ambry Genetics
Classification: Uncertain significance for Hereditary cancer-predisposing syndrome. Last evaluated: 2025-07-07. Review status: criteria provided, single submitter. Criteria: Ambry Variant Classification Scheme 2023. Collection method: clinical testing. Allele origin: germline.
Comment: The p.T1373I variant (also known as c.4118C>T), located in coding exon 20 of the MET gene, results from a C to T substitution at nucleotide position 4118. The threonine at codon 1373 is replaced by isoleucine, an amino acid with similar properties. This amino acid position is highly conserved in available vertebrate species. In addition, the in silico prediction for this alteration is inconclusive. Based on the available evidence, the clinical significance of this variant remains unclear.

Labcorp Genetics (formerly Invitae), Labcorp
Classification: Uncertain significance for Renal cell carcinoma. Last evaluated: 2023-08-18. Review status: criteria provided, single submitter. Criteria: Invitae Variant Classification Sherloc (09022015). Collection method: clinical testing. Allele origin: germline.
Comment: This variant has not been reported in the literature in individuals affected with MET-related conditions. This variant is not present in population databases (gnomAD no frequency). This sequence change replaces threonine, which is neutral and polar, with isoleucine, which is neutral and non-polar, at codon 1373 of the MET protein (p.Thr1373Ile). ClinVar contains an entry for this variant (Variation ID: 1737968). In summary, the available evidence is currently insufficient to determine the role of this variant in disease. Therefore, it has been classified as a Variant of Uncertain Significance. Advanced modeling of protein sequence and biophysical properties (such as structural, functional, and spatial information, amino acid conservation, physicochemical variation, residue mobility, and thermodynamic stability) performed at Invitae indicates that this missense variant is expected to disrupt MET protein function.